The following is an entry in ClinVar:

NM_001048174.2(MUTYH):c.1518G>A (p.Arg506=)

Gene: MUTYH (mutY DNA glycosylase; minus strand). Cytogenetic location: 1p34.1.
Variant type: single nucleotide variant.
Coding change: c.1518G>A on transcript NM_001048174.2 (MANE Select); coding-DNA position 1518, G replaced by A.
Protein change: p.Arg506=; no amino-acid change (arginine 506 retained).
Molecular consequence: synonymous variant. On other transcripts: non-coding transcript variant (2).
Genome position (GRCh38, 1-based): chr1:45,329,354, C>T on the plus strand (G>A on the coding strand, the complement: MUTYH is on the minus strand). VCF-style: chr1-45329354-C-T. GRCh37 (hg19) VCF-style: chr1-45795026-C-T.
Other names: c.1518G>A, p.Arg506= (NM_001048171.2, NM_001048173.2, NM_001293195.2); c.1521G>A, p.Arg507= (NM_001048172.2); c.1602G>A, p.Arg534= (NM_001128425.2); c.1563G>A, p.Arg521= (NM_001293190.2); c.1551G>A, p.Arg517= (NM_001293191.2); c.1242G>A, p.Arg414= (NM_001293192.2, NM_001293196.2); c.1173G>A, p.Arg391= (NM_001350650.2, NM_001350651.2); c.1593G>A, p.Arg531= (NM_012222.3).
Identifiers: ClinVar variation 1172889 (VCV001172889.1), dbSNP rs1570311414, ClinGen allele CA417701993.

ClinVar aggregate classification (germline): Likely benign (1 of 4 stars; one submission).

Submission:

Women's Health and Genetics/Laboratory Corporation of America, LabCorp
Classification: Likely benign. Last evaluated: 2021-05-19. Review status: criteria provided, single submitter. Criteria: LabCorp Variant Classification Summary - May 2015. Collection method: clinical testing. Allele origin: germline.
Comment: Variant summary: MUTYH c.1602G>A results in a synonymous change. The variant was absent in 251496 control chromosomes. The available data on variant occurrences in the general population are insufficient to allow any conclusion about variant significance. To our knowledge, no occurrence of c.1602G>A in individuals affected with MUTYH-Associated Polyposis and no experimental evidence demonstrating its impact on protein function have been reported. No clinical diagnostic laboratories have submitted clinical-significance assessments for this variant to ClinVar after 2014. Based on the evidence outlined above, the variant was classified as likely benign.